The following is an entry in ClinVar:

NM_015341.5(NCAPH):c.295A>G (p.Ile99Val)

Gene: NCAPH (non-SMC condensin I complex subunit H; plus strand). Cytogenetic location: 2q11.2.
Variant type: single nucleotide variant.
Coding change: c.295A>G on transcript NM_015341.5 (MANE Select); coding-DNA position 295, A replaced by G.
Protein change: p.Ile99Val; replaces isoleucine 99 with valine.
Molecular consequence: missense variant. On other transcripts: 5 prime UTR variant (1).
Genome position (GRCh38, 1-based): chr2:96,342,072, A>G. VCF-style: chr2-96342072-A-G. GRCh37 (hg19) VCF-style: chr2-97007810-A-G.
Other names: c.262A>G, p.Ile88Val (NM_001281710.2); c.223A>G, p.Ile75Val (NM_001281711.2); c.-114A>G (NM_001281712.2); short protein forms I75V, I88V, I99V.
Identifiers: ClinVar variation 3053836 (VCV003053836.2), dbSNP rs76237080, ClinGen allele CA1779783.

ClinVar aggregate classification (germline): Benign (0 of 4 stars; one submission).

Conditions:
NCAPH-related disorder. Also called: NCAPH-related condition.

Allele frequency attached by ClinVar (database versions not stated): gnomAD exomes 0.00029; ExAC 0.00108; 1000 Genomes Project 0.00200; 1000 Genomes Project 30x 0.00203; gnomAD 0.00325; ESP Exome Variant Server 0.00346; TOPMed 0.00346.
gnomAD v4.1: 951 of 1,612,624 alleles (0.059%); highest among the groups gnomAD compares: African/African-American, 1.1%; 2 homozygotes.

Submission:

PreventionGenetics, part of Exact Sciences
Classification: Benign for NCAPH-related condition. Last evaluated: 2019-08-28. Review status: no assertion criteria provided. Collection method: clinical testing. Allele origin: germline.
Comment: This variant is classified as benign based on ACMG/AMP sequence variant interpretation guidelines (Richards et al. 2015 PMID: 25741868, with internal and published modifications).